The following is an entry in ClinVar:

NM_018389.5(SLC35C1):c.377G>A (p.Gly126Asp)

Gene: SLC35C1 (solute carrier family 35 member C1; plus strand). Cytogenetic location: 11p11.2.
Variant type: single nucleotide variant.
Coding change: c.377G>A on transcript NM_018389.5 (MANE Select); coding-DNA position 377, G replaced by A.
Protein change: p.Gly126Asp; replaces glycine 126 with aspartic acid.
Molecular consequence: missense variant.
Genome position (GRCh38, 1-based): chr11:45,806,178, G>A. VCF-style: chr11-45806178-G-A. GRCh37 (hg19) VCF-style: chr11-45827729-G-A.
Other names: c.338G>A, p.Gly113Asp (NM_001145265.2, NM_001145266.2); short protein forms G113D, G126D.
Identifiers: ClinVar variation 969163 (VCV000969163.1), dbSNP rs2085873008, ClinGen allele CA380202846.

ClinVar aggregate classification (germline): Uncertain significance (1 of 4 stars; one submission).

Conditions:
Leukocyte adhesion deficiency type II. Also called: CDG IIc; Congenital disorder of glycosylation type 2C; CDG 2C; Leukocyte adhesion deficiency type 2; Rambam Hasharon syndrome; CONGENITAL DISORDER OF GLYCOSYLATION, TYPE IIc. Identifiers: Orphanet 2968, Orphanet 99843, MedGen C0398739, MONDO:0009953, OMIM 266265.

Submission:

Labcorp Genetics (formerly Invitae), Labcorp
Classification: Uncertain significance for Leukocyte adhesion deficiency type II. Last evaluated: 2019-10-06. Review status: criteria provided, single submitter. Criteria: Invitae Variant Classification Sherloc (09022015). Collection method: clinical testing. Allele origin: germline.
Comment: This sequence change replaces glycine with aspartic acid at codon 126 of the SLC35C1 protein (p.Gly126Asp). The glycine residue is moderately conserved and there is a moderate physicochemical difference between glycine and aspartic acid. This variant is not present in population databases (ExAC no frequency). This variant has not been reported in the literature in individuals with SLC35C1-related conditions. Algorithms developed to predict the effect of missense changes on protein structure and function (SIFT, PolyPhen-2, Align-GVGD) all suggest that this variant is likely to be tolerated, but these predictions have not been confirmed by published functional studies and their clinical significance is uncertain. In summary, the available evidence is currently insufficient to determine the role of this variant in disease. Therefore, it has been classified as a Variant of Uncertain Significance.